The following is an entry in ClinVar:

ClinVar aggregate classification (germline): Uncertain significance (1 of 4 stars; one submission).

Conditions:
Neurofibromatosis, type 1 (NF1). Also called: Peripheral type neurofibromatosis; Neurofibromatosis, type I; VON RECKLINGHAUSEN DISEASE; NEUROFIBROMATOSIS, TYPE I, SOMATIC. Identifiers: Orphanet 636, MedGen C0027831, MONDO:0018975, OMIM 162200. Disease mechanism: loss of function.

Submission:

Labcorp Genetics (formerly Invitae), Labcorp
Classification: Uncertain significance for Neurofibromatosis, type 1. Last evaluated: 2023-08-22. Review status: criteria provided, single submitter. Criteria: Invitae Variant Classification Sherloc (09022015). Collection method: clinical testing. Allele origin: germline.
Comment: This variant is not present in population databases (gnomAD no frequency). This sequence change falls in intron 6 of the NF1 gene. It does not directly change the encoded amino acid sequence of the NF1 protein. RNA analysis indicates that this variant induces altered splicing and may result in an absent or disrupted protein product. In summary, the available evidence is currently insufficient to determine the role of this variant in disease. Therefore, it has been classified as a Variant of Uncertain Significance. Variants that disrupt the consensus splice site are a relatively common cause of aberrant splicing (PMID: 17576681, 9536098). Studies have shown that this variant results in skipping of exon 7 and introduces a premature termination codon (Invitae). The resulting mRNA is expected to undergo nonsense-mediated decay. ClinVar contains an entry for this variant (Variation ID: 1053396). This variant has not been reported in the literature in individuals affected with NF1-related conditions.

Literature cited by the submitters: PubMed 17576681; PubMed 9536098.

NM_001042492.3(NF1):c.655-3T>G

Gene: NF1 (neurofibromin 1; plus strand). Cytogenetic location: 17q11.2.
Variant type: single nucleotide variant.
Coding change: c.655-3T>G on transcript NM_001042492.3 (MANE Select); 3 bases into the intron before coding-DNA position 655, T replaced by G.
Molecular consequence: intron variant.
Genome position (GRCh38, 1-based): chr17:31,181,707, T>G. VCF-style: chr17-31181707-T-G. GRCh37 (hg19) VCF-style: chr17-29508725-T-G.
Other names: c.655-3T>G (NM_000267.4, NM_001128147.3).
Identifiers: ClinVar variation 1053396 (VCV001053396.3), dbSNP rs746584147, ClinGen allele CA2499223961.
Genomic context (GRCh38, chr17:31,181,707, plus strand): 5'-GTGACATTTTATTTACTGTATTACAAAAAATCACTGTAAAGACATGTGGTTCTTTATTTA[T>G]AGGCATTTTGGAACTGGGTAGAAAATTATCCAGATGAATTTACAAAACTGTACCAGATCC-3'